The following is an entry in ClinVar:

NM_033026.6(PCLO):c.704C>T (p.Thr235Ile)

Gene: PCLO (piccolo presynaptic cytomatrix protein; minus strand). Cytogenetic location: 7q21.11.
Variant type: single nucleotide variant.
Coding change: c.704C>T on transcript NM_033026.6 (MANE Select); coding-DNA position 704, C replaced by T.
Protein change: p.Thr235Ile; replaces threonine 235 with isoleucine.
Molecular consequence: missense variant.
Genome position (GRCh38, 1-based): chr7:83,155,937, G>A on the plus strand (C>T on the coding strand, the complement: PCLO is on the minus strand). VCF-style: chr7-83155937-G-A. GRCh37 (hg19) VCF-style: chr7-82785253-G-A.
Other names: c.704C>T, p.Thr235Ile (NM_014510.3); short protein forms T235I.
Identifiers: ClinVar variation 4814092 (VCV004814092.1).

ClinVar aggregate classification (germline): Uncertain significance (1 of 4 stars; one submission).

Conditions:
Pontocerebellar hypoplasia type 3 (PCH3). Also called: CEREBELLAR ATROPHY WITH PROGRESSIVE MICROCEPHALY; PCH WITH OPTIC ATROPHY. Identifiers: Orphanet 97249, MedGen C1842687, MONDO:0011948, OMIM 608027.

gnomAD v4.1: 1 of 1,613,756 alleles (0.000062%); highest among the groups gnomAD compares: Non-Finnish European, 0.000085%; no homozygotes.

Submission:

OLLIN Analises Genomicas, OLLIN
Classification: Uncertain significance for Pontocerebellar hypoplasia type 3. Last evaluated: 2026-02-13. Review status: criteria provided, single submitter. Criteria: ACMG Guidelines 2015 PMID 25741868. Collection method: clinical testing. Allele origin: germline. Observed: 1 variant allele.
Comment: PM2_P, BP4_M